The following is an entry in ClinVar:

ClinVar aggregate classification (germline): Uncertain significance. Review status: criteria provided, multiple submitters, no conflicts (2 of 4 stars). 2 submissions from 2 submitters: Uncertain significance (2). Last evaluated 2024-01-24.

Conditions:
Spondylocostal dysostosis 3, autosomal recessive (SCDO3). Also called: LFNG-Related Spondylocostal Dysostosis, Autosomal Recessive. Identifiers: Orphanet 2311, MedGen C1853296, MONDO:0012349, OMIM 609813.
Inborn genetic diseases. Identifiers: MedGen C0950123, MeSH D030342.

Allele frequency attached by ClinVar (database versions not stated): gnomAD exomes 0.00001; gnomAD 0.00017; 1000 Genomes Project 30x 0.00062.

Submissions (2):

Labcorp Genetics (formerly Invitae), Labcorp
Classification: Uncertain significance for Spondylocostal dysostosis 3, autosomal recessive. Last evaluated: 2024-01-24. Review status: criteria provided, single submitter. Criteria: Invitae Variant Classification Sherloc (09022015). Collection method: clinical testing. Allele origin: germline.
Comment: This sequence change replaces proline, which is neutral and non-polar, with alanine, which is neutral and non-polar, at codon 53 of the LFNG protein (p.Pro53Ala). This variant is present in population databases (no rsID available, gnomAD 0.04%). This variant has not been reported in the literature in individuals affected with LFNG-related conditions. ClinVar contains an entry for this variant (Variation ID: 1986583). Experimental studies and prediction algorithms are not available or were not evaluated, and the functional significance of this variant is currently unknown. In summary, the available evidence is currently insufficient to determine the role of this variant in disease. Therefore, it has been classified as a Variant of Uncertain Significance.

Ambry Genetics
Classification: Uncertain significance for Inborn genetic diseases. Last evaluated: 2021-09-27. Review status: criteria provided, single submitter. Criteria: Ambry Variant Classification Scheme 2023. Collection method: clinical testing. Allele origin: germline.

NM_001040167.2(LFNG):c.157C>G (p.Pro53Ala)

Gene: LFNG (LFNG O-fucosylpeptide 3-beta-N-acetylglucosaminyltransferase; plus strand). Cytogenetic location: 7p22.3.
Variant type: single nucleotide variant.
Coding change: c.157C>G on transcript NM_001040167.2 (MANE Select); coding-DNA position 157, C replaced by G.
Protein change: p.Pro53Ala; replaces proline 53 with alanine.
Molecular consequence: missense variant. On other transcripts: intron variant (2).
Genome position (GRCh38, 1-based): chr7:2,520,018, C>G. VCF-style: chr7-2520018-C-G. GRCh37 (hg19) VCF-style: chr7-2559652-C-G.
Other names: c.157C>G, p.Pro53Ala (NM_001040168.2); c.220-4677C>G (NM_001166355.2); c.45+1420C>G (NM_002304.3); short protein forms P53A.
Identifiers: ClinVar variation 1986583 (VCV001986583.5), dbSNP rs1234062084, ClinGen allele CA366613199.
Genomic context (GRCh38, chr7:2,520,018, plus strand): 5'-CTGCCCGCCGAGCGCGGCCGGCGCGCGCTGCGCAGCCTGGCGGGCCCCGCGGGGGCTGCC[C>G]CGGCGCCCGGGCTGGGGGCGGCGGCGGCGGCGCCCGGGGCGCTGGTCCGCGACGTGCACA-3'
Protein context (NP_001035257.1, residues 43-63): RSLAGPAGAA[Pro53Ala]APGLGAAAAA